The following is an entry in ClinVar:

ClinVar aggregate classification (germline): Uncertain significance (1 of 4 stars; one submission).

gnomAD v4.1: 2 of 1,612,492 alleles (0.00012%); highest among the groups gnomAD compares: Admixed American, 0.0033%; no homozygotes.

Submission:

Mayo Clinic Laboratories, Mayo Clinic
Classification: Uncertain significance. Last evaluated: 2024-12-31. Review status: criteria provided, single submitter. Criteria: ACMG Guidelines, 2015. Collection method: clinical testing. Allele origin: germline. Observed: 1 variant allele.
Comment: PM2_supporting

NM_032383.5(HPS3):c.2931C>A (p.Phe977Leu)

Genes: CP (ceruloplasmin; minus strand), HPS3 (HPS3 biogenesis of lysosomal organelles complex 2 subunit 1; plus strand). Cytogenetic location: 3q24.
Variant type: single nucleotide variant.
Coding change: c.2931C>A on transcript NM_032383.5 (MANE Select); coding-DNA position 2931, C replaced by A.
Protein change: p.Phe977Leu; replaces phenylalanine 977 with leucine.
Molecular consequence: missense variant.
Genome position (GRCh38, 1-based): chr3:149,172,138, C>A. VCF-style: chr3-149172138-C-A. GRCh37 (hg19) VCF-style: chr3-148889925-C-A.
Other names: p.Phe977Leu; c.2436C>A, p.Phe812Leu (NM_001308258.2); short protein forms F812L, F977L.
Identifiers: ClinVar variation 4540937 (VCV004540937.1).